The following is an entry in ClinVar:

ClinVar aggregate classification (germline): Benign/Likely benign. Review status: criteria provided, multiple submitters, no conflicts (2 of 4 stars). 5 submissions from 5 submitters: Benign (1); Likely benign (4). Last evaluated 2026-04-27.

Conditions:
SDHA-related disorder. Also called: SDHA-related condition; SDHA-related disorders.
Pheochromocytoma/paraganglioma syndrome 5. Also called: Paragangliomas 5; SDHA-Related Hereditary Paraganglioma-Pheochromocytoma Syndrome. Identifiers: Orphanet 29072, MedGen C3279992, MONDO:0013602, OMIM 614165.
Mitochondrial complex II deficiency, nuclear type 1. Also called: SUCCINATE CoQ REDUCTASE DEFICIENCY. Identifiers: Orphanet 3208, MedGen C5700310, MONDO:0100294, OMIM 252011.
Hereditary cancer-predisposing syndrome. Also called: Neoplastic Syndromes, Hereditary; Hereditary Cancer Syndrome; Tumor predisposition; Hereditary neoplastic syndrome. Identifiers: Orphanet 140162, MedGen C0027672, MeSH D009386, MONDO:0015356.

Allele frequency attached by ClinVar (database versions not stated): gnomAD 0.00002; TOPMed 0.00002; ExAC 0.00006; gnomAD exomes 0.00006.
gnomAD v4.1: 33 of 1,613,750 alleles (0.002%); highest among the groups gnomAD compares: Admixed American, 0.01%; no homozygotes.

Submissions (5):

PreventionGenetics, part of Exact Sciences
Classification: Likely benign for SDHA-related condition. Last evaluated: 2026-04-27. Review status: criteria provided, single submitter. Criteria: ACMG Guidelines, 2015. Collection method: clinical testing. Allele origin: germline.
Comment: This variant is classified as likely benign based on ACMG/AMP sequence variant interpretation guidelines (Richards et al. 2015 PMID: 25741868, with internal and published modifications).

Labcorp Genetics (formerly Invitae), Labcorp
Classification: Likely benign for Pheochromocytoma/paraganglioma syndrome 5; Mitochondrial complex II deficiency, nuclear type 1. Last evaluated: 2026-01-11. Review status: criteria provided, single submitter. Criteria: Invitae Variant Classification Sherloc (09022015). Collection method: clinical testing. Allele origin: germline.

Myriad Genetics, Inc.
Classification: Benign for Pheochromocytoma/paraganglioma syndrome 5. Last evaluated: 2025-02-28. Review status: criteria provided, single submitter. Criteria: Myriad Autosomal Dominant, Autosomal Recessive and X-Linked Classification Criteria (2023). Collection method: clinical testing. Allele origin: unknown.
Comment: This variant is considered benign. This variant is a silent/synonymous amino acid change and it is not expected to impact splicing.

Blueprint Genetics
Classification: Likely benign. Last evaluated: 2019-09-12. Review status: criteria provided, single submitter. Criteria: ACMG Guidelines, 2015. Collection method: clinical testing. Allele origin: germline.

Ambry Genetics
Classification: Likely benign for Hereditary cancer-predisposing syndrome. Last evaluated: 2016-07-25. Review status: criteria provided, single submitter. Criteria: Ambry Variant Classification Scheme 2023. Collection method: clinical testing. Allele origin: germline.

NM_004168.4(SDHA):c.447C>T (p.Ala149=)

Gene: SDHA (succinate dehydrogenase complex flavoprotein subunit A; plus strand). Cytogenetic location: 5p15.33.
Variant type: single nucleotide variant.
Coding change: c.447C>T on transcript NM_004168.4 (MANE Select); coding-DNA position 447, C replaced by T.
Protein change: p.Ala149=; no amino-acid change (alanine 149 retained).
Molecular consequence: synonymous variant. On other transcripts: intron variant (1).
Genome position (GRCh38, 1-based): chr5:225,553, C>T. VCF-style: chr5-225553-C-T. GRCh37 (hg19) VCF-style: chr5-225668-C-T.
Other names: c.447C>T, p.Ala149= (NM_001330758.2); c.313-330C>T (NM_001294332.2).
Identifiers: ClinVar variation 480785 (VCV000480785.19), dbSNP rs752187837, ClinGen allele CA3172823.